The following is an entry in ClinVar:

ClinVar aggregate classification (germline): Likely benign. Review status: criteria provided, multiple submitters, no conflicts (2 of 4 stars). 2 submissions from 2 submitters: Likely benign (2). Last evaluated 2023-02-20.

Allele frequency attached by ClinVar (database versions not stated): gnomAD exomes below 0.00001 and 0.00002; ExAC 0.00001.
gnomAD v4.1: 9 of 1,605,308 alleles (0.00056%); highest among the groups gnomAD compares: Middle Eastern, 0.017%; no homozygotes.

Submissions (2):

Labcorp Genetics (formerly Invitae), Labcorp
Classification: Likely benign. Last evaluated: 2023-02-20. Review status: criteria provided, single submitter. Criteria: Invitae Variant Classification Sherloc (09022015). Collection method: clinical testing. Allele origin: germline.

CeGaT Center for Human Genetics Tuebingen
Classification: Likely benign. Last evaluated: 2023-01-01. Review status: criteria provided, single submitter. Criteria: CeGaT Center For Human Genetics Tuebingen Variant Classification Criteria Version 2. Collection method: clinical testing. Allele origin: germline. Affected: yes. Observed: 1 variant allele.
Comment: MPDZ: BP4, BP7

NM_001378778.1(MPDZ):c.2700G>A (p.Leu900=)

Gene: MPDZ (multiple PDZ domain crumbs cell polarity complex component; minus strand). Cytogenetic location: 9p23.
Variant type: single nucleotide variant.
Coding change: c.2700G>A on transcript NM_001378778.1 (MANE Select); coding-DNA position 2700, G replaced by A.
Protein change: p.Leu900=; no amino-acid change (leucine 900 retained).
Molecular consequence: synonymous variant.
Genome position (GRCh38, 1-based): chr9:13,176,367, C>T on the plus strand (G>A on the coding strand, the complement: MPDZ is on the minus strand). VCF-style: chr9-13176367-C-T. GRCh37 (hg19) VCF-style: chr9-13176366-C-T.
Other names: c.2700G>A, p.Leu900= (NM_001261406.2, NM_001261407.2, NM_001330637.2 and 14 more transcripts).
Identifiers: ClinVar variation 1518091 (VCV001518091.31), dbSNP rs770487666, ClinGen allele CA4987377.